The following is an entry in ClinVar:

ClinVar aggregate classification (germline): Likely benign. Review status: criteria provided, multiple submitters, no conflicts (2 of 4 stars). 3 submissions from 3 submitters: Likely benign (3). Last evaluated 2025-01-29.

Conditions:
Hereditary spastic paraplegia 48. Also called: SPASTIC PARAPLEGIA 48, AUTOSOMAL RECESSIVE; Spastic paraplegia 48. Identifiers: Orphanet 306511, MedGen C3150901, MONDO:0013342, OMIM 613647.

Allele frequency attached by ClinVar (database versions not stated): TOPMed 0.00001; gnomAD exomes 0.00007; gnomAD 0.00010; ExAC 0.00017.
gnomAD v4.1: 130 of 1,612,968 alleles (0.0081%); highest among the groups gnomAD compares: Non-Finnish European, 0.0019%; no homozygotes.

Submissions (3):

Labcorp Genetics (formerly Invitae), Labcorp
Classification: Likely benign for Hereditary spastic paraplegia 48. Last evaluated: 2025-01-29. Review status: criteria provided, single submitter. Criteria: Invitae Variant Classification Sherloc (09022015). Collection method: clinical testing. Allele origin: germline.

Blueprint Genetics
Classification: Likely benign. Last evaluated: 2024-02-16. Review status: criteria provided, single submitter. Criteria: ACMG Guidelines, 2015. Collection method: clinical testing. Allele origin: germline.

CeGaT Center for Human Genetics Tuebingen
Classification: Likely benign. Last evaluated: 2022-10-01. Review status: criteria provided, single submitter. Criteria: CeGaT Center For Human Genetics Tuebingen Variant Classification Criteria Version 2. Collection method: clinical testing. Allele origin: germline. Affected: yes. Observed: 1 variant allele.
Comment: AP5Z1: BP4, BP7

NM_014855.3(AP5Z1):c.420G>A (p.Leu140=)

Gene: AP5Z1 (adaptor related protein complex 5 subunit zeta 1; plus strand). Cytogenetic location: 7p22.1.
Variant type: single nucleotide variant.
Coding change: c.420G>A on transcript NM_014855.3 (MANE Select); coding-DNA position 420, G replaced by A.
Protein change: p.Leu140=; no amino-acid change (leucine 140 retained).
Molecular consequence: synonymous variant. On other transcripts: 5 prime UTR variant (1), non-coding transcript variant (1).
Genome position (GRCh38, 1-based): chr7:4,783,369, G>A. VCF-style: chr7-4783369-G-A. GRCh37 (hg19) VCF-style: chr7-4823000-G-A.
Other names: c.-49G>A (NM_001364858.1).
Identifiers: ClinVar variation 2657259 (VCV002657259.27), dbSNP rs776181756, ClinGen allele CA4137206.